The following is an entry in ClinVar:

ClinVar aggregate classification (germline): Uncertain significance. Review status: criteria provided, multiple submitters, no conflicts (2 of 4 stars). 2 submissions from 2 submitters: Uncertain significance (2). Last evaluated 2024-07-24.

Conditions:
Hereditary cancer-predisposing syndrome. Also called: Neoplastic Syndromes, Hereditary; Hereditary neoplastic syndrome; Tumor predisposition; Hereditary Cancer Syndrome. Identifiers: Orphanet 140162, MedGen C0027672, MeSH D009386, MONDO:0015356.
Medulloblastoma (MDB). Also called: Medulloblastoma, somatic; MEDULLOBLASTOMA PREDISPOSITION SYNDROME. Identifiers: Orphanet 616, MedGen C0025149, MeSH D008527, MONDO:0007959, OMIM 155255, HP:0002885.
Gorlin syndrome. Also called: Nevoid Basal Cell Carcinoma Syndrome; Basal cell nevus syndrome. Identifiers: Orphanet 377, MedGen C0004779, MONDO:0007187.

Submissions (2):

Labcorp Genetics (formerly Invitae), Labcorp
Classification: Uncertain significance for Gorlin syndrome; Medulloblastoma. Last evaluated: 2024-07-24. Review status: criteria provided, single submitter. Criteria: Invitae Variant Classification Sherloc (09022015). Collection method: clinical testing. Allele origin: germline.
Comment: This sequence change replaces alanine, which is neutral and non-polar, with valine, which is neutral and non-polar, at codon 340 of the SUFU protein (p.Ala340Val). This variant is not present in population databases (gnomAD no frequency). This variant has not been reported in the literature in individuals affected with SUFU-related conditions. Advanced modeling of protein sequence and biophysical properties (such as structural, functional, and spatial information, amino acid conservation, physicochemical variation, residue mobility, and thermodynamic stability) performed at Invitae indicates that this missense variant is not expected to disrupt SUFU protein function with a negative predictive value of 80%. In summary, the available evidence is currently insufficient to determine the role of this variant in disease. Therefore, it has been classified as a Variant of Uncertain Significance.

Ambry Genetics
Classification: Uncertain significance for Hereditary cancer-predisposing syndrome. Last evaluated: 2024-03-22. Review status: criteria provided, single submitter. Criteria: Ambry Variant Classification Scheme 2023. Collection method: clinical testing. Allele origin: germline.
Comment: The p.A340V variant (also known as c.1019C>T), located in coding exon 8 of the SUFU gene, results from a C to T substitution at nucleotide position 1019. The alanine at codon 340 is replaced by valine, an amino acid with similar properties. This amino acid position is conserved. In addition, this alteration is predicted to be tolerated by in silico analysis. Based on the available evidence, the clinical significance of this alteration remains unclear.

NM_016169.4(SUFU):c.1019C>T (p.Ala340Val)

Gene: SUFU (SUFU negative regulator of hedgehog signaling; plus strand). Cytogenetic location: 10q24.32.
Variant type: single nucleotide variant.
Coding change: c.1019C>T on transcript NM_016169.4 (MANE Select); coding-DNA position 1019, C replaced by T.
Protein change: p.Ala340Val; replaces alanine 340 with valine.
Molecular consequence: missense variant.
Genome position (GRCh38, 1-based): chr10:102,599,541, C>T. VCF-style: chr10-102599541-C-T. GRCh37 (hg19) VCF-style: chr10-104359298-C-T.
Other names: c.1019C>T, p.Ala340Val (NM_001178133.2); short protein forms A340V.
Identifiers: ClinVar variation 3323537 (VCV003323537.3).